The following is an entry in ClinVar:

ClinVar aggregate classification (germline): Uncertain significance. Review status: criteria provided, multiple submitters, no conflicts (2 of 4 stars). 2 submissions from 2 submitters: Uncertain significance (2). Last evaluated 2023-01-22.

Conditions:
Cardiovascular phenotype. Identifiers: MedGen CN230736.

Allele frequency attached by ClinVar (database versions not stated): gnomAD 0.00001; TOPMed 0.00001.
gnomAD v4.1: 7 of 1,502,696 alleles (0.00047%); highest among the groups gnomAD compares: Middle Eastern, 0.018%; no homozygotes.

Submissions (2):

Ambry Genetics
Classification: Uncertain significance for Cardiovascular phenotype. Last evaluated: 2023-01-22. Review status: criteria provided, single submitter. Criteria: Ambry Variant Classification Scheme 2023. Collection method: clinical testing. Allele origin: germline.
Comment: The p.R1042W variant (also known as c.3124C>T), located in coding exon 1 of the ZNF469 gene, results from a C to T substitution at nucleotide position 3124. The arginine at codon 1042 is replaced by tryptophan, an amino acid with dissimilar properties. This amino acid position is conserved. In addition, this alteration is predicted to be tolerated by in silico analysis. Since supporting evidence is limited at this time, the clinical significance of this alteration remains unclear.

Labcorp Genetics (formerly Invitae), Labcorp
Classification: Uncertain significance. Last evaluated: 2022-10-25. Review status: criteria provided, single submitter. Criteria: Invitae Variant Classification Sherloc (09022015). Collection method: clinical testing. Allele origin: germline.
Comment: This sequence change replaces arginine, which is basic and polar, with tryptophan, which is neutral and slightly polar, at codon 1042 of the ZNF469 protein (p.Arg1042Trp). This variant is not present in population databases (gnomAD no frequency). This variant has not been reported in the literature in individuals affected with ZNF469-related conditions. Algorithms developed to predict the effect of missense changes on protein structure and function output the following: SIFT: "Deleterious"; PolyPhen-2: "Possibly Damaging"; Align-GVGD: "Class C0". The tryptophan amino acid residue is found in multiple mammalian species, which suggests that this missense change does not adversely affect protein function. In summary, the available evidence is currently insufficient to determine the role of this variant in disease. Therefore, it has been classified as a Variant of Uncertain Significance.

NM_001367624.2(ZNF469):c.3124C>T (p.Arg1042Trp)

Gene: ZNF469 (zinc finger protein 469; plus strand). Cytogenetic location: 16q24.2.
Variant type: single nucleotide variant.
Coding change: c.3124C>T on transcript NM_001367624.2 (MANE Select); coding-DNA position 3124, C replaced by T.
Protein change: p.Arg1042Trp; replaces arginine 1042 with tryptophan.
Molecular consequence: missense variant.
Genome position (GRCh38, 1-based): chr16:88,430,594, C>T. VCF-style: chr16-88430594-C-T. GRCh37 (hg19) VCF-style: chr16-88497002-C-T.
Other names: NM_001127464.1:c.3124C>T; short protein forms R1042W.
Identifiers: ClinVar variation 1979956 (VCV001979956.3), dbSNP rs1345294397, ClinGen allele CA397077656.